The following is an entry in ClinVar:

NM_198578.4(LRRK2):c.1775C>T (p.Thr592Ile)

Gene: LRRK2 (leucine rich repeat kinase 2; plus strand). Cytogenetic location: 12q12.
Variant type: single nucleotide variant.
Coding change: c.1775C>T on transcript NM_198578.4 (MANE Select); coding-DNA position 1775, C replaced by T.
Protein change: p.Thr592Ile; replaces threonine 592 with isoleucine.
Molecular consequence: missense variant.
Genome position (GRCh38, 1-based): chr12:40,274,701, C>T. VCF-style: chr12-40274701-C-T. GRCh37 (hg19) VCF-style: chr12-40668503-C-T.
Other names: short protein forms T592I.
Identifiers: ClinVar variation 1779865 (VCV001779865.2), dbSNP rs771181942, ClinGen allele CA6513449.

ClinVar aggregate classification (germline): Uncertain significance (1 of 4 stars; one submission).

Conditions:
Inborn genetic diseases. Identifiers: MedGen C0950123, MeSH D030342.

Allele frequency attached by ClinVar (database versions not stated): ExAC 0.00001; gnomAD exomes 0.00001.
gnomAD v4.1: 3 of 1,614,076 alleles (0.00019%); highest among the groups gnomAD compares: South Asian, 0.0033%; no homozygotes.

Submission:

Ambry Genetics
Classification: Uncertain significance for Inborn genetic diseases. Last evaluated: 2024-01-12. Review status: criteria provided, single submitter. Criteria: Ambry Variant Classification Scheme 2023. Collection method: clinical testing. Allele origin: germline.
Comment: The p.T592I variant (also known as c.1775C>T), located in coding exon 15 of the LRRK2 gene, results from a C to T substitution at nucleotide position 1775. The threonine at codon 592 is replaced by isoleucine, an amino acid with similar properties. This amino acid position is conserved. In addition, this alteration is predicted to be deleterious by in silico analysis. Since supporting evidence is limited at this time, the clinical significance of this alteration remains unclear.